The following is an entry in ClinVar:

NM_001458.5(FLNC):c.3890G>A (p.Gly1297Glu)

Gene: FLNC (filamin C; plus strand). Cytogenetic location: 7q32.1.
Variant type: single nucleotide variant.
Coding change: c.3890G>A on transcript NM_001458.5 (MANE Select); coding-DNA position 3890, G replaced by A.
Protein change: p.Gly1297Glu; replaces glycine 1297 with glutamic acid.
Molecular consequence: missense variant.
Genome position (GRCh38, 1-based): chr7:128,846,089, G>A. VCF-style: chr7-128846089-G-A. GRCh37 (hg19) VCF-style: chr7-128486143-G-A.
Other names: c.3890G>A (NM_001458.4); c.3890G>A, p.Gly1297Glu (NM_001127487.2); short protein forms G1297E.
Identifiers: ClinVar variation 1525008 (VCV001525008.10), dbSNP rs771575526, ClinGen allele CA4475169.

ClinVar aggregate classification (germline): Uncertain significance. Review status: criteria provided, multiple submitters, no conflicts (2 of 4 stars). 4 submissions from 4 submitters: Uncertain significance (4). Last evaluated 2025-08-13.

Conditions:
Myofibrillar myopathy 5. Also called: Filaminopathy (type); FILAMINOPATHY, AUTOSOMAL DOMINANT. Identifiers: Orphanet 171445, MedGen C1836050, MONDO:0012289, OMIM 609524.
Distal myopathy with posterior leg and anterior hand involvement. Also called: WILLIAMS DISTAL MYOPATHY. Identifiers: Orphanet 63273, MedGen C3279722, MONDO:0013550, OMIM 614065.
Hypertrophic cardiomyopathy 26. Also called: Cardiomyopathy, familial hypertrophic, 26. Identifiers: Orphanet 75249, MedGen C4310749, MONDO:0014883, OMIM 617047.

Allele frequency attached by ClinVar (database versions not stated): gnomAD exomes below 0.00001; ExAC 0.00001; gnomAD 0.00001; TOPMed 0.00001.
gnomAD v4.1: 3 of 1,613,902 alleles (0.00019%); highest among the groups gnomAD compares: Admixed American, 0.0033%; no homozygotes.

Submissions (4):

GeneDx
Classification: Uncertain significance. Last evaluated: 2025-08-13. Review status: criteria provided, single submitter. Criteria: GeneDx Variant Classification Process June 2021. Collection method: clinical testing. Allele origin: germline. Affected: yes.
Comment: Not observed at significant frequency in large population cohorts (gnomAD); In silico analysis supports that this missense variant has a deleterious effect on protein structure/function; Has not been previously published as pathogenic or benign to our knowledge

Labcorp Genetics (formerly Invitae), Labcorp
Classification: Uncertain significance for Distal myopathy with posterior leg and anterior hand involvement; Myofibrillar myopathy 5; Hypertrophic cardiomyopathy 26. Last evaluated: 2024-05-21. Review status: criteria provided, single submitter. Criteria: Invitae Variant Classification Sherloc (09022015). Collection method: clinical testing. Allele origin: germline.
Comment: This sequence change replaces glycine, which is neutral and non-polar, with glutamic acid, which is acidic and polar, at codon 1297 of the FLNC protein (p.Gly1297Glu). This variant is present in population databases (rs771575526, gnomAD 0.003%). This variant has not been reported in the literature in individuals affected with FLNC-related conditions. ClinVar contains an entry for this variant (Variation ID: 1525008). Advanced modeling of protein sequence and biophysical properties (such as structural, functional, and spatial information, amino acid conservation, physicochemical variation, residue mobility, and thermodynamic stability) has been performed at Invitae for this missense variant, however the output from this modeling did not meet the statistical confidence thresholds required to predict the impact of this variant on FLNC protein function. In summary, the available evidence is currently insufficient to determine the role of this variant in disease. Therefore, it has been classified as a Variant of Uncertain Significance.

Fulgent Genetics
Classification: Uncertain significance for Myofibrillar myopathy 5; Distal myopathy with posterior leg and anterior hand involvement; Hypertrophic cardiomyopathy 26. Last evaluated: 2021-09-16. Review status: criteria provided, single submitter. Criteria: ACMG Guidelines, 2015. Collection method: clinical testing. Allele origin: unknown.

Revvity Omics, Revvity
Classification: Uncertain significance. Last evaluated: 2021-07-06. Review status: criteria provided, single submitter. Criteria: ACMG Guidelines, 2015. Collection method: clinical testing. Allele origin: germline.